The following is an entry in ClinVar:

NM_003000.3(SDHB):c.765+4C>A

Gene: SDHB (succinate dehydrogenase complex iron sulfur subunit B; minus strand). Cytogenetic location: 1p36.13.
Variant type: single nucleotide variant.
Coding change: c.765+4C>A on transcript NM_003000.3 (MANE Select); 4 bases into the intron after coding-DNA position 765, C replaced by A.
Molecular consequence: intron variant.
Genome position (GRCh38, 1-based): chr1:17,022,604, G>T on the plus strand (C>A on the coding strand, the complement: SDHB is on the minus strand). VCF-style: chr1-17022604-G-T. GRCh37 (hg19) VCF-style: chr1-17349099-G-T.
Identifiers: ClinVar variation 642502 (VCV000642502.6), dbSNP rs776039903, ClinGen allele CA915941149.

ClinVar aggregate classification (germline): Uncertain significance (1 of 4 stars; one submission).

Conditions:
Pheochromocytoma. Also called: MAX-Related Hereditary Paraganglioma-Pheochromocytoma Syndrome. Identifiers: Orphanet 29072, MedGen C0031511, MONDO:0008233, OMIM 171300, HP:0002666.
Pheochromocytoma/paraganglioma syndrome 4. Also called: PARAGANGLIOMA, FAMILIAL MALIGNANT; PARAGANGLIOMAS, HEREDITARY EXTRAADRENAL; PHEOCHROMOCYTOMA, FAMILIAL EXTRAADRENAL; SDHB-Related Hereditary Paraganglioma-Pheochromocytoma Syndrome (Paragangliomas 4); CAROTID BODY TUMORS AND MULTIPLE EXTRAADRENAL PHEOCHROMOCYTOMAS; SDHB-Related Hereditary Paraganglioma-Pheochromocytoma Syndrome. Identifiers: Orphanet 29072, MedGen C1861848, MONDO:0007273, OMIM 115310.
Gastrointestinal stromal tumor. Also called: Gastrointestinal stromal tumor, somatic; Gastrointestinal stroma tumor. Identifiers: Orphanet 44890, MedGen C0238198, MeSH D046152, MONDO:0011719, OMIM 606764, HP:0100723.

Submission:

Labcorp Genetics (formerly Invitae), Labcorp
Classification: Uncertain significance for Gastrointestinal stromal tumor; Pheochromocytoma/paraganglioma syndrome 4; Pheochromocytoma. Last evaluated: 2025-10-01. Review status: criteria provided, single submitter. Criteria: Invitae Variant Classification Sherloc (09022015). Collection method: clinical testing. Allele origin: germline.
Comment: This sequence change falls in intron 7 of the SDHB gene. It does not directly change the encoded amino acid sequence of the SDHB protein. It affects a nucleotide within the consensus splice site. This variant is not present in population databases (gnomAD no frequency). This variant has not been reported in the literature in individuals affected with SDHB-related conditions. ClinVar contains an entry for this variant (Variation ID: 642502). Variants that disrupt the consensus splice site are a relatively common cause of aberrant splicing (PMID: 17576681, 9536098). Algorithms developed to predict the effect of sequence changes on RNA splicing suggest that this variant is not likely to affect RNA splicing. In summary, the available evidence is currently insufficient to determine the role of this variant in disease. Therefore, it has been classified as a Variant of Uncertain Significance.

Literature cited by the submitters: PubMed 17576681; PubMed 9536098.